The following is an entry in ClinVar:

ClinVar aggregate classification (germline): Uncertain significance (1 of 4 stars; one submission).

gnomAD v4.1: 10 of 1,614,046 alleles (0.00062%); highest among the groups gnomAD compares: African/African-American, 0.008%; no homozygotes.

Submission:

GeneDx
Classification: Uncertain significance. Last evaluated: 2025-01-27. Review status: criteria provided, single submitter. Criteria: GeneDx Variant Classification Process June 2021. Collection method: clinical testing. Allele origin: germline. Affected: yes.
Comment: In silico analysis supports that this missense variant has a deleterious effect on protein structure/function; Has not been previously published as pathogenic or benign to our knowledge; This variant is associated with the following publications: (PMID: 21520338, 31554319, 9590290)

NM_005422.4(TECTA):c.1028C>T (p.Ser343Phe)

Genes: TBCEL-TECTA (TBCEL-TECTA readthrough; plus strand), TECTA (tectorin alpha; plus strand). Cytogenetic location: 11q23.3.
Variant type: single nucleotide variant.
Coding change: c.1028C>T on transcript NM_005422.4 (MANE Select); coding-DNA position 1028, C replaced by T.
Protein change: p.Ser343Phe; replaces serine 343 with phenylalanine.
Molecular consequence: missense variant.
Genome position (GRCh38, 1-based): chr11:121,118,543, C>T. VCF-style: chr11-121118543-C-T. GRCh37 (hg19) VCF-style: chr11-120989252-C-T.
Other names: c.1985C>T, p.Ser662Phe (NM_001378761.1); short protein forms S343F, S662F.
Identifiers: ClinVar variation 4071750 (VCV004071750.1).
Genomic context (GRCh38, chr11:121,118,543, plus strand): 5'-TGGTGTTTGGGGAGCCACACTACCACACTTTTGACGGCTTCCTCTTCCACTTCCAAGGCT[C>T]CTGTGCCTACTTGCTGGCCCGACAGTGTTTGCAGACTTCCAGCCTCCCTTTCTTCAGTGT-3'
Protein context (NP_005413.2, residues 333-353): FDGFLFHFQG[Ser343Phe]CAYLLARQCL